The following is an entry in ClinVar:

ClinVar aggregate classification (germline): Benign/Likely benign. Review status: criteria provided, multiple submitters, no conflicts (2 of 4 stars). 8 submissions from 8 submitters: Benign (1); Likely benign (6). 1 of the submissions does not count toward it. Last evaluated 2025-11-30.

Conditions:
Juvenile polyposis syndrome (JPS). Identifiers: Orphanet 2929, MedGen C0345893, MONDO:0017380, OMIM 174900.
Hereditary cancer-predisposing syndrome. Also called: Tumor predisposition; Hereditary neoplastic syndrome; Neoplastic Syndromes, Hereditary; Hereditary Cancer Syndrome. Identifiers: Orphanet 140162, MedGen C0027672, MeSH D009386, MONDO:0015356.

Allele frequency attached by ClinVar (database versions not stated): ExAC 0.00001; gnomAD exomes 0.00001; TOPMed 0.00001; gnomAD 0.00003; ESP Exome Variant Server 0.00008.
gnomAD v4.1: 16 of 1,614,020 alleles (0.00099%); highest among the groups gnomAD compares: African/African-American, 0.0027%; no homozygotes.

Submissions (8):

Labcorp Genetics (formerly Invitae), Labcorp
Classification: Likely benign for Juvenile polyposis syndrome. Last evaluated: 2025-11-30. Review status: criteria provided, single submitter. Criteria: Invitae Variant Classification Sherloc (09022015). Collection method: clinical testing. Allele origin: germline.

Myriad Genetics, Inc.
Classification: Benign for Juvenile polyposis syndrome. Last evaluated: 2023-03-02. Review status: criteria provided, single submitter. Criteria: Myriad Autosomal Dominant, Autosomal Recessive and X-Linked Classification Criteria (2023). Collection method: clinical testing. Allele origin: unknown.
Comment: This variant is considered benign. This variant is a silent/synonymous amino acid change and it is not expected to impact splicing.

All of Us Research Program, National Institutes of Health
Classification: Likely benign for Juvenile polyposis syndrome. Last evaluated: 2023-02-24. Review status: criteria provided, single submitter. Criteria: ACMG Guidelines, 2015. Collection method: clinical testing. Allele origin: germline. Inheritance: Autosomal dominant inheritance. Observed: 1 variant allele, 1 heterozygote.
Comment: This study involves interpretation of variants in research participants for the purpose of population health screening. Participant phenotype was not available at the time of variant classification. Additional details can be found in publication PMID: 35346344, PMCID: PMC8962531

Blueprint Genetics
Classification: Likely benign. Last evaluated: 2021-04-13. Review status: criteria provided, single submitter. Criteria: ACMG Guidelines, 2015. Collection method: clinical testing. Allele origin: germline.

GeneDx
Classification: Likely benign. Last evaluated: 2017-11-28. Review status: criteria provided, single submitter. Criteria: GeneDx Variant Classification (06012015). Collection method: clinical testing. Allele origin: germline. Affected: yes.
Comment: This variant is considered likely benign or benign based on one or more of the following criteria: it is a conservative change, it occurs at a poorly conserved position in the protein, it is predicted to be benign by multiple in silico algorithms, and/or has population frequency not consistent with disease.

Ambry Genetics
Classification: Likely benign for Hereditary cancer-predisposing syndrome. Last evaluated: 2017-10-11. Review status: criteria provided, single submitter. Criteria: Ambry Variant Classification Scheme 2023. Collection method: clinical testing. Allele origin: germline.

Color Diagnostics, LLC DBA Color Health
Classification: Likely benign for Hereditary cancer-predisposing syndrome. Last evaluated: 2017-01-03. Review status: criteria provided, single submitter. Criteria: ACMG Guidelines, 2015. Collection method: clinical testing. Allele origin: germline.

Counsyl
Classification: Likely benign for Juvenile polyposis syndrome. Last evaluated: 2016-05-27. Review status: no assertion criteria provided. Collection method: clinical testing. Allele origin: unknown. Not counted in ClinVar's aggregate classification.

NM_004329.3(BMPR1A):c.198C>T (p.His66=)

Gene: BMPR1A (bone morphogenetic protein receptor type 1A; plus strand). Cytogenetic location: 10q23.2.
Variant type: single nucleotide variant.
Coding change: c.198C>T on transcript NM_004329.3 (MANE Select); coding-DNA position 198, C replaced by T.
Protein change: p.His66=; no amino-acid change (histidine 66 retained).
Molecular consequence: synonymous variant.
Genome position (GRCh38, 1-based): chr10:86,890,192, C>T. VCF-style: chr10-86890192-C-T. GRCh37 (hg19) VCF-style: chr10-88649949-C-T.
Identifiers: ClinVar variation 136050 (VCV000136050.23), dbSNP rs150493865, ClinGen allele CA332827.